The following is an entry in ClinVar:

NM_000551.4(VHL):c.340+5G>C

Gene: VHL (von Hippel-Lindau tumor suppressor; plus strand). Cytogenetic location: 3p25.3.
Variant type: single nucleotide variant.
Coding change: c.340+5G>C on transcript NM_000551.4 (MANE Select); 5 bases into the intron after coding-DNA position 340, G replaced by C.
Molecular consequence: intron variant.
Genome position (GRCh38, 1-based): chr3:10,142,192, G>C. VCF-style: chr3-10142192-G-C. GRCh37 (hg19) VCF-style: chr3-10183876-G-C.
Other names: IVS1+5G>C; c.340+5G>C (NM_001354723.2, NM_198156.3).
Identifiers: ClinVar variation 36901 (VCV000036901.57), dbSNP rs61758376, ClinGen allele CA020288.

ClinVar aggregate classification (germline): Benign/Likely benign. Review status: criteria provided, multiple submitters, no conflicts (2 of 4 stars). 26 submissions from 26 submitters: Benign (17); Likely benign (3). 6 of the submissions do not count toward it. Last evaluated 2026-02-04.

Conditions:
Chuvash polycythemia. Also called: POLYCYTHEMIA, VHL-DEPENDENT. Identifiers: Orphanet 238557, MedGen C1837915, MONDO:0009892, OMIM 263400.
Von Hippel-Lindau syndrome (VHLS). Also called: Von Hippel-Lindau; von Hippel–Lindau syndrome; VHL syndrome. Identifiers: Orphanet 892, MedGen C0019562, MONDO:0008667, OMIM 193300. Disease mechanism: loss of function.
Hereditary cancer-predisposing syndrome. Also called: Tumor predisposition; Hereditary Cancer Syndrome; Hereditary neoplastic syndrome; Neoplastic Syndromes, Hereditary. Identifiers: Orphanet 140162, MedGen C0027672, MeSH D009386, MONDO:0015356.
Tuberous sclerosis 2 (TSC2). Identifiers: Orphanet 805, MedGen C1860707, MONDO:0013199, OMIM 613254.

Allele frequency attached by ClinVar (database versions not stated): ExAC 0.01452; 1000 Genomes Project 0.02137; gnomAD 0.00190 and 0.00403; TOPMed 0.00376; gnomAD exomes 0.01249; 1000 Genomes Project 30x 0.02014.
gnomAD v4.1: 7,257 of 1,596,998 alleles (0.45%); highest among the groups gnomAD compares: South Asian, 5%; 206 homozygotes.

Submissions 1 to 28 of 40:

Labcorp Genetics (formerly Invitae), Labcorp
Classification: Benign for Von Hippel-Lindau syndrome; Chuvash polycythemia. Last evaluated: 2026-02-04. Review status: criteria provided, single submitter. Criteria: Invitae Variant Classification Sherloc (09022015). Collection method: clinical testing. Allele origin: germline.

Mayo Clinic Laboratories, Mayo Clinic
Classification: Benign. Last evaluated: 2025-10-28. Review status: criteria provided, single submitter. Criteria: ACMG Guidelines, 2015. Collection method: clinical testing. Allele origin: germline. Observed: 11 variant alleles.

ARUP Laboratories, Molecular Genetics and Genomics, ARUP Laboratories
Classification: Benign. Last evaluated: 2025-07-07. Review status: criteria provided, single submitter. Criteria: ARUP Molecular Germline Variant Investigation Process 2024. Collection method: clinical testing. Allele origin: germline.

Myriad Genetics, Inc.
Classification: Benign for Von Hippel-Lindau syndrome. Last evaluated: 2025-06-11. Review status: criteria provided, single submitter. Criteria: Myriad Autosomal Dominant, Autosomal Recessive and X-Linked Classification Criteria (2023). Collection method: clinical testing. Allele origin: unknown.
Comment: This variant is considered benign. This variant is intronic and is not expected to impact mRNA splicing. This variant has been observed at a population frequency that is significantly greater than expected given the associated disease prevalence and penetrance.

Johns Hopkins Genomics, Johns Hopkins University
Classification: Benign for Tuberous sclerosis 2. Last evaluated: 2025-04-23. Review status: criteria provided, single submitter. Criteria: ACMG Guidelines, 2015. Collection method: clinical testing. Allele origin: germline.
Comment: This variant is classified as benign (BA1, BS1, BS2, BP2, BP6).

Center for Genomic Medicine, Rigshospitalet, Copenhagen University Hospital
Classification: Benign. Last evaluated: 2025-03-04. Review status: criteria provided, single submitter. Criteria: ACMG Guidelines, 2015. Collection method: clinical testing. Allele origin: germline.

Blueprint Genetics
Classification: Likely benign. Last evaluated: 2024-11-26. Review status: criteria provided, single submitter. Criteria: ACMG Guidelines, 2015. Collection method: clinical testing. Allele origin: germline.

KCCC/NGS Laboratory, Kuwait Cancer Control Center
Classification: Benign for Von Hippel-Lindau syndrome. Last evaluated: 2023-07-07. Review status: criteria provided, single submitter. Criteria: ACMG Guidelines, 2015. Collection method: clinical testing. Allele origin: germline. Affected: yes.

Color Diagnostics, LLC DBA Color Health
Classification: Benign for Von Hippel-Lindau syndrome. Last evaluated: 2022-09-21. Review status: criteria provided, single submitter. Criteria: ACMG Guidelines, 2015. Collection method: clinical testing. Allele origin: germline.

Department of Pathology and Laboratory Medicine, Sinai Health System
Classification: Benign for von Hippel-Lindau disease. Last evaluated: 2022-02-03. Review status: criteria provided, single submitter. Criteria: ACMG Guidelines, 2015. Collection method: clinical testing. Allele origin: germline. Affected: yes.

Sema4
Classification: Benign for Hereditary cancer-predisposing syndrome. Last evaluated: 2020-02-24. Review status: criteria provided, single submitter. Criteria: Sema4 Curation Guidelines. Collection method: curation. Allele origin: germline.

GeneDx
Classification: Benign. Last evaluated: 2018-11-16. Review status: criteria provided, single submitter. Criteria: GeneDx Variant Classification Process June 2021. Collection method: clinical testing. Allele origin: germline. Affected: yes.
Comment: This variant is associated with the following publications: (PMID: 8956040, 25563310, 19996202, 22462637, 27884173, 22799452, 26332594, 20034980, 25985138, 27527340, 19906784, 22438210, 27057652, 25078357, 27069690, 27439424, 20518900, 8730290, 9829911, 21972040)

PreventionGenetics, part of Exact Sciences
Classification: Benign. Last evaluated: 2018-04-03. Review status: criteria provided, single submitter. Criteria: ACMG Guidelines, 2015. Collection method: clinical testing. Allele origin: germline.

Illumina Laboratory Services, Illumina
Classification: Benign for Von Hippel-Lindau syndrome. Last evaluated: 2018-03-06. Review status: criteria provided, single submitter. Criteria: ICSL Variant Classification Criteria 13 December 2019. Collection method: clinical testing. Allele origin: germline.
Comment: This variant was observed in the ICSL laboratory as part of a predisposition screen in an ostensibly healthy population. It had not been previously curated by ICSL or reported in the Human Gene Mutation Database (HGMD: prior to June 1st, 2018), and was therefore a candidate for classification through an automated scoring system. Utilizing variant allele frequency, disease prevalence and penetrance estimates, and inheritance mode, an automated score was calculated to assess if this variant is too frequent to cause the disease. Based on the score and internal cut-off values, a variant classified as benign is not then subjected to further curation. The score for this variant resulted in a classification of benign for this disease.

Athena Diagnostics
Classification: Benign. Last evaluated: 2018-01-05. Review status: criteria provided, single submitter. Criteria: Athena Diagnostics Criteria. Collection method: clinical testing. Allele origin: germline.

Center for Pediatric Genomic Medicine, Children's Mercy Hospital and Clinics
Classification: Likely benign. Last evaluated: 2017-05-09. Review status: criteria provided, single submitter. Criteria: ACMG Guidelines, 2015. Collection method: clinical testing. Allele origin: germline.

Eurofins Ntd Llc (ga)
Classification: Benign. Last evaluated: 2015-10-15. Review status: criteria provided, single submitter. Criteria: EGL Classification Definitions 2015. Collection method: clinical testing. Allele origin: germline. Observed: 2 variant alleles, 2 heterozygotes.

Ambry Genetics
Classification: Benign for Hereditary cancer-predisposing syndrome. Last evaluated: 2014-12-30. Review status: criteria provided, single submitter. Criteria: Ambry Variant Classification Scheme 2023. Collection method: clinical testing. Allele origin: germline.

Laboratory for Molecular Medicine, Mass General Brigham Personalized Medicine
Classification: Benign. Last evaluated: 2013-06-21. Review status: criteria provided, single submitter. Criteria: LMM Criteria. Collection method: clinical testing. Allele origin: germline. Observed: 1 variant allele.
Comment: 340+5G>C in intron 1 of VHL: This variant is not expected to have clinical signi ficance because it has been identified in 4.5% (9/200) Southern Han Chinese chro mosomes by the 1000 Genomes Project (dbSNP rs61758376).

Breakthrough Genomics
Classification: Likely benign. Review status: criteria provided, single submitter. Criteria: ACMG Guidelines, 2015. Collection method: not provided. Allele origin: germline. Inheritance: Autosomal recessive inheritance. Affected: yes.

Genomic Diagnostic Laboratory, Division of Genomic Diagnostics, Children's Hospital of Philadelphia
Classification: Benign for Von Hippel-Lindau syndrome. Last evaluated: 2016-02-26. Review status: no assertion criteria provided. Collection method: clinical testing. Allele origin: germline. Affected: yes. Observed: 32 variant alleles. Not counted in ClinVar's aggregate classification.

Women's Health and Genetics/Laboratory Corporation of America, LabCorp
Classification: Benign for Von Hippel-Lindau Syndrome. Last evaluated: 2015-06-04. Review status: no assertion criteria provided. Collection method: clinical testing. Allele origin: germline. Not counted in ClinVar's aggregate classification.

Clinical Genetics DNA and cytogenetics Diagnostics Lab, Erasmus MC, Erasmus Medical Center
Classification: Benign. Review status: no assertion criteria provided. Collection method: clinical testing. Allele origin: germline. Affected: yes. Study: VKGL Data-share Consensus. Not counted in ClinVar's aggregate classification.

Dr. Peter K. Rogan Lab, Western University
No classification provided (evidence only). Condition: Acute myeloid leukemia. Review status: no classification provided. Collection method: in vitro. Allele origin: not applicable. Functional consequence: retained intron. Not counted in ClinVar's aggregate classification.

Dr. Peter K. Rogan Lab, Western University
No classification provided (evidence only). Condition: Uterine corpus endometrial carcinoma. Review status: no classification provided. Collection method: in vitro. Allele origin: not applicable. Functional consequence: retained intron. Not counted in ClinVar's aggregate classification.

Dr. Peter K. Rogan Lab, Western University
No classification provided (evidence only). Condition: Cervical cancer. Review status: no classification provided. Collection method: in vitro. Allele origin: not applicable. Functional consequence: retained intron. Not counted in ClinVar's aggregate classification.

Dr. Peter K. Rogan Lab, Western University
No classification provided (evidence only). Condition: Malignant lymphoma, large B-cell, diffuse. Review status: no classification provided. Collection method: in vitro. Allele origin: not applicable. Functional consequence: retained intron. Not counted in ClinVar's aggregate classification.

Dr. Peter K. Rogan Lab, Western University
No classification provided (evidence only). Condition: Thymoma. Review status: no classification provided. Collection method: in vitro. Allele origin: not applicable. Functional consequence: retained intron. Not counted in ClinVar's aggregate classification.